The following is an entry in ClinVar:

NM_001378609.3(OTOGL):c.2116G>A (p.Ala706Thr)

Gene: OTOGL (otogelin like; plus strand). Cytogenetic location: 12q21.31.
Variant type: single nucleotide variant.
Coding change: c.2116G>A on transcript NM_001378609.3 (MANE Select); coding-DNA position 2116, G replaced by A.
Protein change: p.Ala706Thr; replaces alanine 706 with threonine.
Molecular consequence: missense variant.
Genome position (GRCh38, 1-based): chr12:80,265,102, G>A. VCF-style: chr12-80265102-G-A. GRCh37 (hg19) VCF-style: chr12-80658882-G-A.
Other names: c.2116G>A, p.Ala706Thr (NM_001368062.3, NM_001378610.3, NM_173591.7); short protein forms A706T.
Identifiers: ClinVar variation 1363126 (VCV001363126.8), dbSNP rs1882845450, ClinGen allele CA385855463.

ClinVar aggregate classification (germline): Uncertain significance (1 of 4 stars; one submission).

Allele frequency attached by ClinVar (database versions not stated): TOPMed below 0.00001.

Submission:

Labcorp Genetics (formerly Invitae), Labcorp
Classification: Uncertain significance. Last evaluated: 2023-10-03. Review status: criteria provided, single submitter. Criteria: Invitae Variant Classification Sherloc (09022015). Collection method: clinical testing. Allele origin: germline.
Comment: This sequence change replaces alanine, which is neutral and non-polar, with threonine, which is neutral and polar, at codon 697 of the OTOGL protein (p.Ala697Thr). This variant is not present in population databases (gnomAD no frequency). This variant has not been reported in the literature in individuals affected with OTOGL-related conditions. ClinVar contains an entry for this variant (Variation ID: 1363126). An algorithm developed to predict the effect of missense changes on protein structure and function (PolyPhen-2) suggests that this variant is likely to be disruptive. In summary, the available evidence is currently insufficient to determine the role of this variant in disease. Therefore, it has been classified as a Variant of Uncertain Significance.